The following is an entry in ClinVar:

ClinVar aggregate classification (germline): Likely benign. Review status: criteria provided, multiple submitters, no conflicts (2 of 4 stars). 2 submissions from 2 submitters: Likely benign (2). Last evaluated 2017-04-27.

Conditions:
Amyloidosis, hereditary systemic 1 (AMYLD1). Also called: Hereditary Transthyretin Amyloidosis; Isolated Cardiac Amyloidosis; Amyloid Cardiomyopathy, Transthyretin-related; Familial amyloid polyneuropathy; Transthyretin Amyloidosis; Hereditary oculoleptomeningeal amyloid angiopathy. Identifiers: Orphanet 85447, Orphanet 85451, MedGen C2751492, MONDO:0971004, OMIM 105210.

Allele frequency attached by ClinVar (database versions not stated): gnomAD exomes 0.02382; 1000 Genomes Project 0.00998; 1000 Genomes Project 30x 0.01171; TOPMed 0.01687; gnomAD 0.01831 and 0.01852.

Submissions (2):

Illumina Laboratory Services, Illumina
Classification: Likely benign for Amyloidosis, hereditary systemic 1. Last evaluated: 2017-04-27. Review status: criteria provided, single submitter. Criteria: ICSL Variant Classification Criteria 13 December 2019. Collection method: clinical testing. Allele origin: germline.
Comment: This variant was observed as part of a predisposition screen in an ostensibly healthy population. A literature search was performed for the gene, cDNA change, and amino acid change (where applicable). No publications were found based on this search. Allele frequency data from public databases allowed determination this variant is unlikely to cause disease. Therefore, this variant is classified as likely benign.

Breakthrough Genomics
Classification: Likely benign. Review status: criteria provided, single submitter. Criteria: ACMG Guidelines, 2015. Collection method: not provided. Allele origin: germline. Inheritance: Autosomal dominant inheritance. Affected: yes.

NM_000371.3(TTR):c.*261C>T

Gene: TTR (transthyretin; plus strand). Cytogenetic location: 18q12.1.
Variant type: single nucleotide variant.
Coding change: c.*261C>T on transcript NM_000371.3; 261 bases downstream of the stop codon, C replaced by T.
Genome position (GRCh38, 1-based): chr18:31,598,936, C>T. VCF-style: chr18-31598936-C-T. GRCh37 (hg19) VCF-style: chr18-29178899-C-T.
Identifiers: ClinVar variation 892146 (VCV000892146.7), dbSNP rs62093482, ClinGen allele CA297742305.